The following is an entry in ClinVar:

ClinVar aggregate classification (germline): Uncertain significance. Review status: criteria provided, single submitter (1 of 4 stars). 2 submissions from 2 submitters: Uncertain significance (1). 1 of the submissions does not count toward it. Last evaluated 2024-08-27.

Conditions:
STAT3-related disorder. Also called: STAT3-related condition.

Submissions (2):

Blueprint Genetics
Classification: Uncertain significance. Last evaluated: 2024-08-27. Review status: criteria provided, single submitter. Criteria: ACMG Guidelines, 2015. Collection method: clinical testing. Allele origin: germline.

PreventionGenetics, part of Exact Sciences
Classification: Uncertain significance for STAT3-related condition. Last evaluated: 2024-09-18. Review status: no assertion criteria provided. Collection method: clinical testing. Allele origin: germline. Not counted in ClinVar's aggregate classification.
Comment: The STAT3 c.1553G>A variant is predicted to result in the amino acid substitution p.Arg518Gln. To our knowledge, this variant has not been reported in individuals with STAT3-associated disorders in the literature. This variant is reported in 0.0062% of alleles in individuals of African descent in gnomAD. At this time, the clinical significance of this variant is uncertain due to the absence of conclusive functional and genetic evidence.

NM_139276.3(STAT3):c.1553G>A (p.Arg518Gln)

Gene: STAT3 (signal transducer and activator of transcription 3; minus strand). Cytogenetic location: 17q21.2.
Variant type: single nucleotide variant.
Coding change: c.1553G>A on transcript NM_139276.3 (MANE Select); coding-DNA position 1553, G replaced by A.
Protein change: p.Arg518Gln; replaces arginine 518 with glutamine.
Molecular consequence: missense variant.
Genome position (GRCh38, 1-based): chr17:42,324,758, C>T on the plus strand (G>A on the coding strand, the complement: STAT3 is on the minus strand). VCF-style: chr17-42324758-C-T. GRCh37 (hg19) VCF-style: chr17-40476776-C-T.
Other names: c.1553G>A, p.Arg518Gln (NM_001369512.1, NM_001369513.1, NM_001369514.1 and 10 more transcripts); c.1469G>A, p.Arg490Gln (NM_001384984.1); c.1475G>A, p.Arg492Gln (NM_001384985.1); c.1568G>A, p.Arg523Gln (NM_001384986.1, NM_001384990.1); c.1532G>A, p.Arg511Gln (NM_001384987.1); c.1457G>A, p.Arg486Gln (NM_001384989.1); c.1493G>A, p.Arg498Gln (NM_001384992.1); short protein forms R486Q, R490Q, R492Q, R498Q, R511Q, R518Q, R523Q.
Identifiers: ClinVar variation 3346906 (VCV003346906.2).